The following is an entry in ClinVar:

NM_182493.3(MYLK3):c.473A>C (p.Glu158Ala)

Gene: MYLK3 (myosin light chain kinase 3; minus strand). Cytogenetic location: 16q11.2.
Variant type: single nucleotide variant.
Coding change: c.473A>C on transcript NM_182493.3 (MANE Select); coding-DNA position 473, A replaced by C.
Protein change: p.Glu158Ala; replaces glutamic acid 158 with alanine.
Molecular consequence: missense variant. On other transcripts: intron variant (1).
Genome position (GRCh38, 1-based): chr16:46,747,721, T>G on the plus strand (A>C on the coding strand, the complement: MYLK3 is on the minus strand). VCF-style: chr16-46747721-T-G. GRCh37 (hg19) VCF-style: chr16-46781633-T-G.
Other names: c.-113-7574A>C (NM_001308301.1); short protein forms E158A.
Identifiers: ClinVar variation 4699278 (VCV004699278.1).
Genomic context (GRCh38, chr16:46,747,721, plus strand): 5'-TCTCCCACCAGGGCCGGGGCCTCCCATCCAGCCAGGGCAGGGAAGCAGGAACCAACCTCC[T>G]CAGGGCTGTCACCTGGGCTGCCTCTCCTCCAGGGCACACGCCCCTGCATGAGGAAATCCG-3'
Protein context (NP_872299.2, residues 148-168): WRRGSPGDSP[Glu158Ala]ENKERVEEEG

ClinVar aggregate classification (germline): Uncertain significance (1 of 4 stars; one submission).

gnomAD v4.1: 2 of 1,612,918 alleles (0.00012%); highest among the groups gnomAD compares: Non-Finnish European, 0.00017%; no homozygotes.

Submission:

Labcorp Genetics (formerly Invitae), Labcorp
Classification: Uncertain significance. Last evaluated: 2025-11-09. Review status: criteria provided, single submitter. Criteria: Invitae Variant Classification Sherloc (09022015). Collection method: clinical testing. Allele origin: germline.
Comment: This sequence change replaces glutamic acid, which is acidic and polar, with alanine, which is neutral and non-polar, at codon 158 of the MYLK3 protein (p.Glu158Ala). This variant is not present in population databases (gnomAD no frequency). This variant has not been reported in the literature in individuals affected with MYLK3-related conditions. An algorithm developed to predict the effect of missense changes on protein structure and function outputs the following: PolyPhen-2: "Benign". The alanine amino acid residue is found in multiple mammalian species, which suggests that this missense change does not adversely affect protein function. In summary, the available evidence is currently insufficient to determine the role of this variant in disease. Therefore, it has been classified as a Variant of Uncertain Significance.